The following is an entry in ClinVar:

ClinVar aggregate classification (germline): Uncertain significance (1 of 4 stars; one submission).

Conditions:
Long QT syndrome (LQTS). Identifiers: MedGen C0023976, MeSH D008133, MONDO:0002442. Disease mechanism: loss of function. Inheritance: Various modes of inheritance.

Submission:

All of Us Research Program, National Institutes of Health
Classification: Uncertain significance for Long QT syndrome. Last evaluated: 2024-07-10. Review status: criteria provided, single submitter. Criteria: ACMG Guidelines, 2015. Collection method: clinical testing. Allele origin: germline. Inheritance: Autosomal dominant inheritance. Observed: 1 variant allele, 1 heterozygote.
Comment: This missense variant replaces serine with cysteine at codon 676 of the KCNQ1 protein. Computational prediction is inconclusive regarding the impact of this variant on protein structure and function (internally defined REVEL score threshold 0.5 < inconclusive < 0.7, PMID: 27666373). To our knowledge, functional studies have not been reported for this variant. This variant has not been reported in individuals affected with KCNQ1-related disorders in the literature. This variant has not been identified in the general population by the Genome Aggregation Database (gnomAD). The available evidence is insufficient to determine the role of this variant in disease conclusively. Therefore, this variant is classified as a Variant of Uncertain Significance.

This study involves interpretation of variants in research participants for the purpose of population health screening. Participant phenotype was not available at the time of variant classification. Additional details can be found in publication PMID: 35346344, PMCID: PMC8962531

NM_000218.3(KCNQ1):c.2027C>G (p.Ser676Cys)

Genes: KCNQ1 (potassium voltage-gated channel subfamily Q member 1; plus strand), KCNQ1-AS1 (KCNQ1 antisense RNA 1; minus strand). Cytogenetic location: 11p15.4.
Variant type: single nucleotide variant.
Coding change: c.2027C>G on transcript NM_000218.3 (MANE Select); coding-DNA position 2027, C replaced by G.
Protein change: p.Ser676Cys; replaces serine 676 with cysteine.
Molecular consequence: missense variant.
Genome position (GRCh38, 1-based): chr11:2,847,999, C>G. VCF-style: chr11-2847999-C-G. GRCh37 (hg19) VCF-style: chr11-2869229-C-G.
Other names: c.1931C>G, p.Ser644Cys (NM_001406836.1); c.1757C>G, p.Ser586Cys (NM_001406837.1); c.1487C>G, p.Ser496Cys (NM_001406838.1); c.539C>G, p.Ser180Cys (NM_001406839.1); c.1646C>G, p.Ser549Cys (NM_181798.2); short protein forms S180C, S496C, S549C, S586C, S644C, S676C.
Identifiers: ClinVar variation 3386962 (VCV003386962.1).